The following is an entry in ClinVar:

ClinVar aggregate classification (germline): Likely benign. Review status: criteria provided, single submitter (1 of 4 stars). 2 submissions from 2 submitters: Likely benign (1). 1 of the submissions does not count toward it. Last evaluated 2023-12-14.

Conditions:
RPE65-related disorder. Also called: RPE65-related disorders; RPE65-related condition. Identifiers: MedGen CN239301.
Retinitis pigmentosa 20 (RP20). Identifiers: Orphanet 791, MedGen C3151086, MONDO:0013425, OMIM 613794.
Leber congenital amaurosis 2 (LCA2). Also called: Autosomal Recessive RPE65-Related Retinal Degeneration; AMAUROSIS CONGENITA OF LEBER II. Identifiers: Orphanet 65, MedGen C1859844, MONDO:0008765, OMIM 204100. Disease mechanism: loss of function.

Allele frequency attached by ClinVar (database versions not stated): ExAC 0.00001; gnomAD exomes 0.00002; TOPMed 0.00003; ESP Exome Variant Server 0.00008.
gnomAD v4.1: 71 of 1,614,044 alleles (0.0044%); highest among the groups gnomAD compares: Non-Finnish European, 0.0054%; no homozygotes.

Submissions (2):

Labcorp Genetics (formerly Invitae), Labcorp
Classification: Likely benign for Leber congenital amaurosis 2; Retinitis pigmentosa 20. Last evaluated: 2023-12-14. Review status: criteria provided, single submitter. Criteria: Invitae Variant Classification Sherloc (09022015). Collection method: clinical testing. Allele origin: germline.

PreventionGenetics, part of Exact Sciences
Classification: Likely benign for RPE65-related condition. Last evaluated: 2019-06-25. Review status: no assertion criteria provided. Collection method: clinical testing. Allele origin: germline. Not counted in ClinVar's aggregate classification.
Comment: This variant is classified as likely benign based on ACMG/AMP sequence variant interpretation guidelines (Richards et al. 2015 PMID: 25741868, with internal and published modifications).

NM_000329.3(RPE65):c.165G>A (p.Glu55=)

Gene: RPE65 (retinoid isomerohydrolase RPE65; minus strand). Cytogenetic location: 1p31.3.
Variant type: single nucleotide variant.
Coding change: c.165G>A on transcript NM_000329.3 (MANE Select); coding-DNA position 165, G replaced by A.
Protein change: p.Glu55=; no amino-acid change (glutamic acid 55 retained).
Molecular consequence: synonymous variant.
Genome position (GRCh38, 1-based): chr1:68,446,790, C>T on the plus strand (G>A on the coding strand, the complement: RPE65 is on the minus strand). VCF-style: chr1-68446790-C-T. GRCh37 (hg19) VCF-style: chr1-68912473-C-T.
Other names: c.165G>A (NM_000329.2).
Identifiers: ClinVar variation 1135727 (VCV001135727.11), dbSNP rs375272714, ClinGen allele CA902586.